The following is an entry in ClinVar:

ClinVar aggregate classification (germline): Pathogenic (1 of 4 stars; one submission).

Conditions:
Hereditary cancer-predisposing syndrome. Also called: Tumor predisposition; Hereditary Cancer Syndrome; Neoplastic Syndromes, Hereditary; Hereditary neoplastic syndrome. Identifiers: Orphanet 140162, MedGen C0027672, MeSH D009386, MONDO:0015356.

Submission:

Ambry Genetics
Classification: Pathogenic for Hereditary cancer-predisposing syndrome. Last evaluated: 2021-07-07. Review status: criteria provided, single submitter. Criteria: Ambry Variant Classification Scheme 2023. Collection method: clinical testing. Allele origin: germline.
Comment: The c.254delT pathogenic mutation, located in coding exon 1 of the AXIN2 gene, results from a deletion of one nucleotide at nucleotide position 254, causing a translational frameshift with a predicted alternate stop codon (p.L85Yfs*24). This alteration has been identified in a cohort of patients with unexplained adenomatous polyposis (>100 polyps) with known inheritance. (Rohlin A et al. Fam Cancer, 2017 04;16:195-203). This alteration is expected to result in loss of function by premature protein truncation or nonsense-mediated mRNA decay. As such, this alteration is interpreted as a disease-causing mutation.

Literature cited by the submitters: PubMed 27696107.

NM_004655.4(AXIN2):c.254del (p.Leu85fs)

Gene: AXIN2 (axin 2; minus strand). Cytogenetic location: 17q24.1.
Variant type: Deletion.
Coding change: c.254del on transcript NM_004655.4 (MANE Select); coding-DNA position 254, one base deleted (T; older notation c.254delT).
Protein change: p.Leu85fs; shifts the reading frame from leucine 85.
Molecular consequence: frameshift variant.
Genome position (GRCh38, 1-based): chr17:65,558,367, A deleted on the plus strand (T on the coding strand, the reverse complement: AXIN2 is on the minus strand); the first of 2 consecutive A bases (chr17:65,558,367-65,558,368); deleting either gives the same sequence. VCF-style (leftmost placement, unchanged base first): chr17-65558366-TA-T. GRCh37 (hg19) VCF-style: chr17-63554484-TA-T.
Other names: c.254del, p.Leu85fs (NM_001363813.1); c.254delT (NM_004655.3); short protein forms L85fs.
Identifiers: ClinVar variation 1792929 (VCV001792929.2), dbSNP rs2544253193, ClinGen allele CA2580095119.